The following is an entry in ClinVar:

ClinVar aggregate classification (germline): Likely pathogenic (1 of 4 stars; one submission).

Conditions:
Inborn genetic diseases. Identifiers: MedGen C0950123, MeSH D030342.

Submission:

Ambry Genetics
Classification: Likely pathogenic for Inborn genetic diseases. Last evaluated: 2024-12-13. Review status: criteria provided, single submitter. Criteria: Ambry Variant Classification Scheme 2023. Collection method: clinical testing. Allele origin: germline.
Comment: The c.631C>G (p.R211G) alteration is located in exon 7 (coding exon 6) of the DHDDS gene. This alteration results from a C to G substitution at nucleotide position 631, causing the arginine (R) at amino acid position 211 to be replaced by a glycine (G). for autosomal dominant DHDDS-related neurodevelopmental disorder; however, its clinical significance for autosomal recessive DHDDS-related retinitis pigmentosa is uncertain This variant was not reported in population-based cohorts in the Genome Aggregation Database (gnomAD). Another variant at the same codon, c.632G>A (p.R211Q), has been identified in individual(s) with features consistent with DHDDS-related neurodevelopmental disorder (Hamdan, 2017). This amino acid position is highly conserved in available vertebrate species. This alteration is predicted to be deleterious by in silico analysis. Based on the available evidence, this alteration is classified as likely pathogenic.

Literature cited by the submitters: PubMed 29100083.

NM_205861.3(DHDDS):c.631C>G (p.Arg211Gly)

Gene: DHDDS (dehydrodolichyl diphosphate synthase subunit; plus strand). Cytogenetic location: 1p36.11.
Variant type: single nucleotide variant.
Coding change: c.631C>G on transcript NM_205861.3 (MANE Select); coding-DNA position 631, C replaced by G.
Protein change: p.Arg211Gly; replaces arginine 211 with glycine.
Molecular consequence: missense variant.
Genome position (GRCh38, 1-based): chr1:26,457,879, C>G. VCF-style: chr1-26457879-C-G. GRCh37 (hg19) VCF-style: chr1-26784370-C-G.
Other names: c.529C>G, p.Arg177Gly (NM_001243564.2); c.514C>G, p.Arg172Gly (NM_001243565.2); c.352C>G, p.Arg118Gly (NM_001319959.2); c.631C>G, p.Arg211Gly (NM_024887.4); short protein forms R177G, R118G, R172G, R211G.
Identifiers: ClinVar variation 3839707 (VCV003839707.1).